The following is an entry in ClinVar:

NM_000155.4(GALT):c.857A>G (p.Tyr286Cys)

Gene: GALT (galactose-1-phosphate uridylyltransferase; plus strand). Cytogenetic location: 9p13.3.
Variant type: single nucleotide variant.
Coding change: c.857A>G on transcript NM_000155.4 (MANE Select); coding-DNA position 857, A replaced by G.
Protein change: p.Tyr286Cys; replaces tyrosine 286 with cysteine.
Molecular consequence: missense variant.
Genome position (GRCh38, 1-based): chr9:34,649,034, A>G. VCF-style: chr9-34649034-A-G. GRCh37 (hg19) VCF-style: chr9-34649031-A-G.
Other names: c.530A>G, p.Tyr177Cys (NM_001258332.2); short protein forms Y286C, Y177C.
Identifiers: ClinVar variation 38486 (VCV000038486.14), dbSNP rs367543262, ClinGen allele CA259518.

ClinVar aggregate classification (germline): Likely pathogenic. Review status: criteria provided, multiple submitters, no conflicts (2 of 4 stars). 4 submissions from 4 submitters: Likely pathogenic (3). 1 of the submissions does not count toward it. Last evaluated 2024-09-26.

Conditions:
Deficiency of UDPglucose-hexose-1-phosphate uridylyltransferase. Also called: GALACTOSE-1-PHOSPHATE URIDYLYLTRANSFERASE DEFICIENCY; Transferase Deficiency Galactosemia; GALACTOSEMIA I; GALT deficiency; Galactosemia, classic. Identifiers: Orphanet 352, Orphanet 79239, MedGen C0268151, MONDO:0009258, OMIM 230400.

Allele frequency attached by ClinVar (database versions not stated): gnomAD 0.00001 and 0.00003.
gnomAD v4.1: 1 of 1,614,062 alleles (0.000062%); highest among the groups gnomAD compares: East Asian, 0.0022%; no homozygotes.

Submissions (4):

Women's Health and Genetics/Laboratory Corporation of America, LabCorp
Classification: Likely pathogenic for Deficiency of UDPglucose-hexose-1-phosphate uridylyltransferase. Last evaluated: 2024-09-26. Review status: criteria provided, single submitter. Criteria: LabCorp Variant Classification Summary - May 2015. Collection method: clinical testing. Allele origin: germline.
Comment: Variant summary: GALT c.857A>G (p.Tyr286Cys) results in a non-conservative amino acid change located in the Galactose-1-phosphate uridyl transferase, C-terminal domain (IPR005850) of the encoded protein sequence. Five of five in-silico tools predict a damaging effect of the variant on protein function. The variant was absent in 251490 control chromosomes. The available data on variant occurrences in the general population are insufficient to allow any conclusion about variant significance. c.857A>G has been reported in the presumed compound heterozygous state in the literature in at least 1 individual affected with Galactosemia (example, Zaffanello_2005). These data do not allow any conclusion about variant significance. At least one publication reports experimental evidence evaluating an impact on protein function. The most pronounced variant effect results in <10% of normal activity in patient erythrocytes (example, Zaffanello_2005). The following publication has been ascertained in the context of this evaluation (PMID: 15775761). ClinVar contains an entry for this variant (Variation ID: 38486). Based on the evidence outlined above, the variant was classified as likely pathogenic.

Labcorp Genetics (formerly Invitae), Labcorp
Classification: Likely pathogenic for Deficiency of UDPglucose-hexose-1-phosphate uridylyltransferase. Last evaluated: 2024-02-01. Review status: criteria provided, single submitter. Criteria: Invitae Variant Classification Sherloc (09022015). Collection method: clinical testing. Allele origin: germline.
Comment: This sequence change replaces tyrosine, which is neutral and polar, with cysteine, which is neutral and slightly polar, at codon 286 of the GALT protein (p.Tyr286Cys). This variant is present in population databases (rs367543262, gnomAD 0.06%). This missense change has been observed in individual(s) with galactosemia (PMID: 15775761). ClinVar contains an entry for this variant (Variation ID: 38486). Advanced modeling of protein sequence and biophysical properties (such as structural, functional, and spatial information, amino acid conservation, physicochemical variation, residue mobility, and thermodynamic stability) performed at Invitae indicates that this missense variant is expected to disrupt GALT protein function with a positive predictive value of 95%. In summary, the currently available evidence indicates that the variant is pathogenic, but additional data are needed to prove that conclusively. Therefore, this variant has been classified as Likely Pathogenic.

Juno Genomics, Hangzhou Juno Genomics, Inc
Classification: Likely pathogenic for Deficiency of UDPglucose-hexose-1-phosphate uridylyltransferase. Review status: criteria provided, single submitter. Criteria: ACMG Guidelines, 2015. Collection method: clinical testing. Allele origin: germline.
Comment: Absent from controls (or at extremely low frequency if recessive) in Genome Aggregation Database.;Multiple lines of computational evidence support a deleterious effect on the gene or gene product.;For recessive disorders, detected in trans with a pathogenic variant.;Patient's phenotype or family history is highly specific for a disease with a single genetic etiology.

Counsyl
Classification: Uncertain significance for Deficiency of UDPglucose-hexose-1-phosphate uridylyltransferase. Last evaluated: 2017-06-14. Review status: no assertion criteria provided. Collection method: clinical testing. Allele origin: unknown. Not counted in ClinVar's aggregate classification.

Literature cited by the submitters: PubMed 15775761 (cited by 3 submitters); PubMed 20008339 (cited by Counsyl).